The following is an entry in ClinVar:

ClinVar aggregate classification (germline): Uncertain significance (1 of 4 stars; one submission).

Conditions:
Cardiovascular phenotype. Identifiers: MedGen CN230736.

Allele frequency attached by ClinVar (database versions not stated): ExAC 0.00006.
gnomAD v4.1: 6 of 1,550,366 alleles (0.00039%); highest among the groups gnomAD compares: South Asian, 0.0071%; no homozygotes.

Submission:

Ambry Genetics
Classification: Uncertain significance for Cardiovascular phenotype. Last evaluated: 2022-06-27. Review status: criteria provided, single submitter. Criteria: Ambry Variant Classification Scheme 2023. Collection method: clinical testing. Allele origin: germline.
Comment: The p.D837E variant (also known as c.2511C>G), located in coding exon 1 of the ZNF469 gene, results from a C to G substitution at nucleotide position 2511. The aspartic acid at codon 837 is replaced by glutamic acid, an amino acid with highly similar properties. This amino acid position is conserved. In addition, this alteration is predicted to be tolerated by in silico analysis. Since supporting evidence is limited at this time, the clinical significance of this alteration remains unclear.

NM_001367624.2(ZNF469):c.2511C>G (p.Asp837Glu)

Gene: ZNF469 (zinc finger protein 469; plus strand). Cytogenetic location: 16q24.2.
Variant type: single nucleotide variant.
Coding change: c.2511C>G on transcript NM_001367624.2 (MANE Select); coding-DNA position 2511, C replaced by G.
Protein change: p.Asp837Glu; replaces aspartic acid 837 with glutamic acid.
Molecular consequence: missense variant.
Genome position (GRCh38, 1-based): chr16:88,429,981, C>G. VCF-style: chr16-88429981-C-G. GRCh37 (hg19) VCF-style: chr16-88496389-C-G.
Other names: NM_001127464.1:c.2511C>G; short protein forms D837E.
Identifiers: ClinVar variation 1792405 (VCV001792405.2), dbSNP rs747457964, ClinGen allele CA8224777.